The following is an entry in ClinVar:

NM_001854.4(COL11A1):c.1629+1G>A

Gene: COL11A1 (collagen type XI alpha 1 chain; minus strand). Cytogenetic location: 1p21.1.
Variant type: single nucleotide variant.
Coding change: c.1629+1G>A on transcript NM_001854.4 (MANE Select); the canonical splice donor site of the intron after coding-DNA position 1629, G replaced by A.
Molecular consequence: splice donor variant.
Genome position (GRCh38, 1-based): chr1:103,012,412, C>T on the plus strand (G>A on the coding strand, the complement: COL11A1 is on the minus strand). VCF-style: chr1-103012412-C-T. GRCh37 (hg19) VCF-style: chr1-103477968-C-T.
Other names: c.1512+1G>A (NM_001190709.2); c.1665+1G>A (NM_080629.3); c.1281+1G>A (NM_080630.4).
Identifiers: ClinVar variation 521858 (VCV000521858.9), dbSNP rs1553234339, ClinGen allele CA341177105.

ClinVar aggregate classification (germline): Likely pathogenic. Review status: criteria provided, multiple submitters, no conflicts (2 of 4 stars). 2 submissions from 2 submitters: Likely pathogenic (2). Last evaluated 2022-11-22.

Conditions:
Inborn genetic diseases. Identifiers: MedGen C0950123, MeSH D030342.

Allele frequency attached by ClinVar (database versions not stated): gnomAD exomes below 0.00001.
gnomAD v4.1: 1 of 1,612,768 alleles (0.000062%); highest among the groups gnomAD compares: Non-Finnish European, 0.000085%; no homozygotes.

Submissions (2):

Labcorp Genetics (formerly Invitae), Labcorp
Classification: Likely pathogenic. Last evaluated: 2022-11-22. Review status: criteria provided, single submitter. Criteria: Invitae Variant Classification Sherloc (09022015). Collection method: clinical testing. Allele origin: germline.
Comment: This variant has not been reported in the literature in individuals affected with COL11A1-related conditions. In summary, the currently available evidence indicates that the variant is pathogenic, but additional data are needed to prove that conclusively. Therefore, this variant has been classified as Likely Pathogenic. Algorithms developed to predict the effect of sequence changes on RNA splicing suggest that this variant may disrupt the consensus splice site. ClinVar contains an entry for this variant (Variation ID: 521858). This variant is not present in population databases (gnomAD no frequency). This sequence change affects a donor splice site in intron 14 of the COL11A1 gene. It is expected to disrupt RNA splicing. Variants that disrupt the donor or acceptor splice site typically lead to a loss of protein function (PMID: 16199547), and loss-of-function variants in COL11A1 are known to be pathogenic (PMID: 20513134, 21035103, 23922384, 25240749, 32427345, 32756486).

Ambry Genetics
Classification: Likely pathogenic for Inborn genetic diseases. Last evaluated: 2017-06-02. Review status: criteria provided, single submitter. Criteria: Ambry exome assertion method (8-5-2015). Collection method: clinical testing. Allele origin: germline. Affected: yes. Observed: 1 variant allele.

Literature cited by the submitters: PubMed 16199547 (cited by Labcorp Genetics (formerly Invitae), Labcorp); PubMed 20513134 (cited by Labcorp Genetics (formerly Invitae), Labcorp); PubMed 21035103 (cited by Labcorp Genetics (formerly Invitae), Labcorp); PubMed 23922384 (cited by Labcorp Genetics (formerly Invitae), Labcorp); PubMed 25240749 (cited by Labcorp Genetics (formerly Invitae), Labcorp); PubMed 32427345 (cited by Labcorp Genetics (formerly Invitae), Labcorp); PubMed 32756486 (cited by Labcorp Genetics (formerly Invitae), Labcorp).